The following is an entry in ClinVar:

ClinVar aggregate classification (germline): Uncertain significance (1 of 4 stars; one submission).

Allele frequency attached by ClinVar (database versions not stated): gnomAD exomes below 0.00001; TOPMed below 0.00001.
gnomAD v4.1: 6 of 1,598,060 alleles (0.00038%); highest among the groups gnomAD compares: South Asian, 0.0011%; no homozygotes.

Submission:

Labcorp Genetics (formerly Invitae), Labcorp
Classification: Uncertain significance. Last evaluated: 2021-06-15. Review status: criteria provided, single submitter. Criteria: Invitae Variant Classification Sherloc (09022015). Collection method: clinical testing. Allele origin: germline.
Comment: In summary, the available evidence is currently insufficient to determine the role of this variant in disease. Therefore, it has been classified as a Variant of Uncertain Significance. Algorithms developed to predict the effect of missense changes on protein structure and function are either unavailable or do not agree on the potential impact of this missense change (SIFT: "Deleterious"; PolyPhen-2: "Probably Damaging"; Align-GVGD: "Class C0"). This variant has not been reported in the literature in individuals with SZT2-related conditions. This variant is not present in population databases (ExAC no frequency). This sequence change replaces alanine with valine at codon 787 of the SZT2 protein (p.Ala787Val). The alanine residue is moderately conserved and there is a small physicochemical difference between alanine and valine.

NM_001365999.1(SZT2):c.2360C>T (p.Ala787Val)

Gene: SZT2 (SZT2 subunit of KICSTOR complex; plus strand). Cytogenetic location: 1p34.2.
Variant type: single nucleotide variant.
Coding change: c.2360C>T on transcript NM_001365999.1 (MANE Select); coding-DNA position 2360, C replaced by T.
Protein change: p.Ala787Val; replaces alanine 787 with valine.
Molecular consequence: missense variant.
Genome position (GRCh38, 1-based): chr1:43,424,321, C>T. VCF-style: chr1-43424321-C-T. GRCh37 (hg19) VCF-style: chr1-43889992-C-T.
Other names: c.2360C>T, p.Ala787Val (NM_015284.4); short protein forms A787V.
Identifiers: ClinVar variation 1356357 (VCV001356357.6), dbSNP rs1427497091, ClinGen allele CA340012507.